The following is an entry in ClinVar:

ClinVar aggregate classification (germline): Uncertain significance (1 of 4 stars; one submission).

Allele frequency attached by ClinVar (database versions not stated): TOPMed 0.00001.
gnomAD v4.1: 3 of 1,612,862 alleles (0.00019%); highest among the groups gnomAD compares: East Asian, 0.0022%; no homozygotes.

Submission:

CeGaT Center for Human Genetics Tuebingen
Classification: Uncertain significance. Last evaluated: 2024-05-01. Review status: criteria provided, single submitter. Criteria: CeGaT Center For Human Genetics Tuebingen Variant Classification Criteria Version 2. Collection method: clinical testing. Allele origin: germline. Affected: yes. Observed: 1 variant allele.
Comment: IRF2BPL: PM2

NM_024496.4(IRF2BPL):c.992G>A (p.Arg331Lys)

Gene: IRF2BPL (interferon regulatory factor 2 binding protein like; minus strand). Cytogenetic location: 14q24.3.
Variant type: single nucleotide variant.
Coding change: c.992G>A on transcript NM_024496.4 (MANE Select); coding-DNA position 992, G replaced by A.
Protein change: p.Arg331Lys; replaces arginine 331 with lysine.
Molecular consequence: missense variant.
Genome position (GRCh38, 1-based): chr14:77,026,801, C>T on the plus strand (G>A on the coding strand, the complement: IRF2BPL is on the minus strand). VCF-style: chr14-77026801-C-T. GRCh37 (hg19) VCF-style: chr14-77493144-C-T.
Other names: short protein forms R331K.
Identifiers: ClinVar variation 3239293 (VCV003239293.19), dbSNP rs1885139796.